The following is an entry in ClinVar:

ClinVar aggregate classification (germline): Uncertain significance. Review status: criteria provided, multiple submitters, no conflicts (2 of 4 stars). 4 submissions from 4 submitters: Uncertain significance (4). Last evaluated 2024-10-24.

Conditions:
Warburg micro syndrome 2 (WARBM2). Also called: MICRO SYNDROME 2. Identifiers: Orphanet 2510, MedGen C3280214, MONDO:0013641, OMIM 614225.
Martsolf syndrome 1. Identifiers: Orphanet 1387, MedGen C5542298, MONDO:8000008, OMIM 212720.
Inborn genetic diseases. Identifiers: MedGen C0950123, MeSH D030342.
Martsolf syndrome (MARTS). Also called: Congenital cataract with intellectual disability and hypogonadotropic hypogonadism syndrome. Identifiers: Orphanet 1387, MedGen C0796037, MONDO:0023910.

Allele frequency attached by ClinVar (database versions not stated): gnomAD exomes 0.00002 and 0.00005; gnomAD 0.00005 and 0.00006; ExAC 0.00006; TOPMed 0.00007; ESP Exome Variant Server 0.00008.
gnomAD v4.1: 47 of 1,613,282 alleles (0.0029%); highest among the groups gnomAD compares: Admixed American, 0.0083%; no homozygotes.

Submissions (4):

Labcorp Genetics (formerly Invitae), Labcorp
Classification: Uncertain significance for Martsolf syndrome; Warburg micro syndrome 2. Last evaluated: 2024-10-24. Review status: criteria provided, single submitter. Criteria: Invitae Variant Classification Sherloc (09022015). Collection method: clinical testing. Allele origin: germline.
Comment: This sequence change replaces lysine, which is basic and polar, with arginine, which is basic and polar, at codon 677 of the RAB3GAP2 protein (p.Lys677Arg). This variant is present in population databases (rs200632298, gnomAD 0.1%). This variant has not been reported in the literature in individuals affected with RAB3GAP2-related conditions. ClinVar contains an entry for this variant (Variation ID: 546418). Invitae Evidence Modeling of protein sequence and biophysical properties (such as structural, functional, and spatial information, amino acid conservation, physicochemical variation, residue mobility, and thermodynamic stability) indicates that this missense variant is not expected to disrupt RAB3GAP2 protein function with a negative predictive value of 80%. In summary, the available evidence is currently insufficient to determine the role of this variant in disease. Therefore, it has been classified as a Variant of Uncertain Significance.

Ambry Genetics
Classification: Uncertain significance for Inborn genetic diseases. Last evaluated: 2023-11-03. Review status: criteria provided, single submitter. Criteria: Ambry Variant Classification Scheme 2023. Collection method: clinical testing. Allele origin: germline.

GeneDx
Classification: Uncertain significance. Last evaluated: 2022-09-27. Review status: criteria provided, single submitter. Criteria: GeneDx Variant Classification Process June 2021. Collection method: clinical testing. Allele origin: germline. Affected: yes.
Comment: In silico analysis supports that this missense variant does not alter protein structure/function; Has not been previously published as pathogenic or benign to our knowledge

Department of Pathology and Laboratory Medicine, Sinai Health System
Classification: Uncertain significance for Martsolf syndrome 1; Warburg micro syndrome 2. Last evaluated: 2020-08-28. Review status: criteria provided, single submitter. Criteria: ACMG Guidelines, 2015. Collection method: research. Allele origin: germline.

NM_012414.4(RAB3GAP2):c.2030A>G (p.Lys677Arg)

Gene: RAB3GAP2 (RAB3 GTPase activating non-catalytic protein subunit 2; minus strand). Cytogenetic location: 1q41.
Variant type: single nucleotide variant.
Coding change: c.2030A>G on transcript NM_012414.4 (MANE Select); coding-DNA position 2030, A replaced by G.
Protein change: p.Lys677Arg; replaces lysine 677 with arginine.
Molecular consequence: missense variant.
Genome position (GRCh38, 1-based): chr1:220,182,900, T>C on the plus strand (A>G on the coding strand, the complement: RAB3GAP2 is on the minus strand). VCF-style: chr1-220182900-T-C. GRCh37 (hg19) VCF-style: chr1-220356242-T-C.
Other names: short protein forms K677R.
Identifiers: ClinVar variation 546418 (VCV000546418.14), dbSNP rs200632298, ClinGen allele CA1402522.
Genomic context (GRCh38, chr1:220,182,900, plus strand): 5'-TTTGTCCTGGTGTTCTCTTGCTTATATTTCTCTAGTAATGCCTGGAGCTTAAGCAGTTCT[T>C]TTTCATCAAGCCTTAGTAACAGAGCCAAGTCCTTTAAAACAGAAAACAAAACAAAACAAC-3'
Protein context (NP_036546.2, residues 667-687): DLALLLRLDE[Lys677Arg]ELLKLQALLE